The following is an entry in ClinVar:

NM_001040142.2(SCN2A):c.4684A>G (p.Ile1562Val)

Gene: SCN2A (sodium voltage-gated channel alpha subunit 2; plus strand). Cytogenetic location: 2q24.3.
Variant type: single nucleotide variant.
Coding change: c.4684A>G on transcript NM_001040142.2 (MANE Select); coding-DNA position 4684, A replaced by G.
Protein change: p.Ile1562Val; replaces isoleucine 1562 with valine.
Molecular consequence: missense variant.
Genome position (GRCh38, 1-based): chr2:165,386,878, A>G. VCF-style: chr2-165386878-A-G. GRCh37 (hg19) VCF-style: chr2-166243388-A-G.
Other names: c.4684A>G, p.Ile1562Val (NM_001040143.2, NM_001371246.1, NM_001371247.1 and 1 more transcripts); short protein forms I1562V.
Identifiers: ClinVar variation 1364347 (VCV001364347.8), dbSNP rs779900992, ClinGen allele CA1940315.

ClinVar aggregate classification (germline): Uncertain significance (1 of 4 stars; one submission).

Conditions:
Seizures, benign familial infantile, 3 (BFIS3). Also called: Familial neonatal seizures; CONVULSIONS, BENIGN FAMILIAL INFANTILE, 3. Identifiers: Orphanet 140927, Orphanet 306, MedGen C1843140, MONDO:0011904, OMIM 607745.
Developmental and epileptic encephalopathy, 11 (DEE11). Also called: Early infantile epileptic encephalopathy 11. Identifiers: Orphanet 1934, MedGen C3150987, MONDO:0013388, OMIM 613721.

Allele frequency attached by ClinVar (database versions not stated): gnomAD exomes below 0.00001; ExAC 0.00001.
gnomAD v4.1: 1 of 1,613,964 alleles (0.000062%); highest among the groups gnomAD compares: Non-Finnish European, 0.000085%; no homozygotes.

Submission:

Labcorp Genetics (formerly Invitae), Labcorp
Classification: Uncertain significance for Seizures, benign familial infantile, 3; Developmental and epileptic encephalopathy, 11. Last evaluated: 2021-01-28. Review status: criteria provided, single submitter. Criteria: Invitae Variant Classification Sherloc (09022015). Collection method: clinical testing. Allele origin: germline.
Comment: This sequence change replaces isoleucine with valine at codon 1562 of the SCN2A protein (p.Ile1562Val). The isoleucine residue is highly conserved and there is a small physicochemical difference between isoleucine and valine. In summary, the available evidence is currently insufficient to determine the role of this variant in disease. Therefore, it has been classified as a Variant of Uncertain Significance. Algorithms developed to predict the effect of missense changes on protein structure and function (SIFT, PolyPhen-2, Align-GVGD) all suggest that this variant is likely to be tolerated, but these predictions have not been confirmed by published functional studies and their clinical significance is uncertain. This variant has not been reported in the literature in individuals with SCN2A-related conditions. This variant is present in population databases (rs779900992, ExAC 0.002%).